The following is an entry in ClinVar:

ClinVar aggregate classification (germline): Likely pathogenic (1 of 4 stars; one submission).

Conditions:
Rhizomelic chondrodysplasia punctata type 1 (RCDP1). Also called: PEROXISOME BIOGENESIS DISORDER 9; CHONDRODYSTROPHIA CALCIFICANS PUNCTATA; PEX7-Related Rhizomelic Chondrodysplasia Punctata. Identifiers: Orphanet 177, Orphanet 309789, MedGen C1859133, MONDO:0008972, OMIM 215100. Disease mechanism: loss of function.

Submission:

Myriad Genetics, Inc.
Classification: Likely pathogenic for Rhizomelic chondrodysplasia punctata type 1. Last evaluated: 2022-03-14. Review status: criteria provided, single submitter. Criteria: Myriad Women's Health Autosomal Recessive and X-Linked Classification Criteria (2021). Collection method: clinical testing. Allele origin: unknown.
Comment: NM_000288.3(PEX7):c.463G>T(E155*) is expected to be pathogenic in the context of rhizomelic chondrodysplasia punctata type 1. This variant is predicted to lead to an abnormal or absent protein product due to the creation of a premature termination codon in PEX7, a gene where loss-of-function variants are known to be pathogenic. Please note: this variant was assessed in the context of healthy population screening.

NM_000288.4(PEX7):c.463G>T (p.Glu155Ter)

Gene: PEX7 (peroxisomal biogenesis factor 7; plus strand). Cytogenetic location: 6q23.3.
Variant type: single nucleotide variant.
Coding change: c.463G>T on transcript NM_000288.4 (MANE Select); coding-DNA position 463, G replaced by T.
Protein change: p.Glu155Ter; replaces glutamic acid 155 with a stop codon.
Molecular consequence: nonsense.
Genome position (GRCh38, 1-based): chr6:136,846,118, G>T. VCF-style: chr6-136846118-G-T. GRCh37 (hg19) VCF-style: chr6-137167256-G-T.
Other names: c.349G>T, p.Glu117Ter (NM_001410945.1); short protein forms E117*, E155*.
Identifiers: ClinVar variation 1725220 (VCV001725220.2), dbSNP rs2548082672, ClinGen allele CA365857171.